The following is an entry in ClinVar:

NM_002047.4(GARS1):c.1981A>G (p.Thr661Ala)

Gene: GARS1 (glycyl-tRNA synthetase 1; plus strand). Cytogenetic location: 7p14.3.
Variant type: single nucleotide variant.
Coding change: c.1981A>G on transcript NM_002047.4 (MANE Select); coding-DNA position 1981, A replaced by G.
Protein change: p.Thr661Ala; replaces threonine 661 with alanine.
Molecular consequence: missense variant.
Genome position (GRCh38, 1-based): chr7:30,632,324, A>G. VCF-style: chr7-30632324-A-G. GRCh37 (hg19) VCF-style: chr7-30671940-A-G.
Other names: c.1819A>G, p.Thr607Ala (NM_001316772.1); short protein forms T607A, T661A.
Identifiers: ClinVar variation 1680960 (VCV001680960.8), dbSNP rs1783252231, ClinGen allele CA367130593.
Genomic context (GRCh38, chr7:30,632,324, plus strand): 5'-CATGGAGTATCTCACAAAGTAGACGATTCCTCTGGGTCAATCGGAAGGCGCTATGCCAGG[A>G]CTGATGAGATTGGCGTGGCTTTTGGTGTCACCATTGACTTTGACACAGTGAACAAGACCC-3'
Protein context (NP_002038.2, residues 651-671): SGSIGRRYAR[Thr661Ala]DEIGVAFGVT

ClinVar aggregate classification (germline): Uncertain significance (1 of 4 stars; one submission).

Conditions:
Charcot-Marie-Tooth disease type 2. Also called: Charcot-Marie-Tooth type 2. Identifiers: Orphanet 64746, MedGen C0270914, MONDO:0018993.

Allele frequency attached by ClinVar (database versions not stated): TOPMed below 0.00001.

Submission:

Labcorp Genetics (formerly Invitae), Labcorp
Classification: Uncertain significance for Charcot-Marie-Tooth disease type 2. Last evaluated: 2021-03-18. Review status: criteria provided, single submitter. Criteria: Invitae Variant Classification Sherloc (09022015). Collection method: clinical testing. Allele origin: germline.
Comment: In summary, the available evidence is currently insufficient to determine the role of this variant in disease. Therefore, it has been classified as a Variant of Uncertain Significance. Algorithms developed to predict the effect of missense changes on protein structure and function are either unavailable or do not agree on the potential impact of this missense change (SIFT: "Deleterious"; PolyPhen-2: "Possibly Damaging"; Align-GVGD: "Class C0"). This variant has not been reported in the literature in individuals with GARS-related conditions. This variant is not present in population databases (ExAC no frequency). This sequence change replaces threonine with alanine at codon 661 of the GARS protein (p.Thr661Ala). The threonine residue is highly conserved and there is a small physicochemical difference between threonine and alanine.